The following is an entry in ClinVar:

NM_198578.4(LRRK2):c.5091G>A (p.Met1697Ile)

Gene: LRRK2 (leucine rich repeat kinase 2; plus strand). Cytogenetic location: 12q12.
Variant type: single nucleotide variant.
Coding change: c.5091G>A on transcript NM_198578.4 (MANE Select); coding-DNA position 5091, G replaced by A.
Protein change: p.Met1697Ile; replaces methionine 1697 with isoleucine.
Molecular consequence: missense variant.
Genome position (GRCh38, 1-based): chr12:40,321,109, G>A. VCF-style: chr12-40321109-G-A. GRCh37 (hg19) VCF-style: chr12-40714911-G-A.
Other names: short protein forms M1697I.
Identifiers: ClinVar variation 3229682 (VCV003229682.1), dbSNP rs2499878607, ClinGen allele CA384419970.
Genomic context (GRCh38, chr12:40,321,109, plus strand): 5'-GCCTGTGATAGAGCTTCCCCATTGTGAGAACTCTGAAATTATCATCCGACTATATGAAAT[G>A]CCTTATTTTCCAATGGGATTTTGGTCAAGATTAATCAATCGATTACTTGAGATTTCACCT-3'
Protein context (NP_940980.4, residues 1687-1707): NSEIIIRLYE[Met1697Ile]PYFPMGFWSR

ClinVar aggregate classification (germline): Uncertain significance (1 of 4 stars; one submission).

Conditions:
Inborn genetic diseases. Identifiers: MedGen C0950123, MeSH D030342.

Allele frequency attached by ClinVar (database versions not stated): gnomAD exomes 0.00001.

Submission:

Ambry Genetics
Classification: Uncertain significance for Inborn genetic diseases. Last evaluated: 2023-09-28. Review status: criteria provided, single submitter. Criteria: Ambry Variant Classification Scheme 2023. Collection method: clinical testing. Allele origin: germline.
Comment: The p.M1697I variant (also known as c.5091G>A), located in coding exon 35 of the LRRK2 gene, results from a G to A substitution at nucleotide position 5091. The methionine at codon 1697 is replaced by isoleucine, an amino acid with highly similar properties. This amino acid position is conserved. In addition, this alteration is predicted to be deleterious by in silico analysis. Since supporting evidence is limited at this time, the clinical significance of this alteration remains unclear.